The following is an entry in ClinVar:

ClinVar aggregate classification (germline): Likely benign. Review status: criteria provided, multiple submitters, no conflicts (2 of 4 stars). 4 submissions from 4 submitters: Likely benign (4). Last evaluated 2024-05-08.

Conditions:
Baraitser-winter syndrome 2. Identifiers: Orphanet 2995, MedGen C3281235, MONDO:0013812, OMIM 614583.
Autosomal dominant nonsyndromic hearing loss 20. Identifiers: Orphanet 90635, MedGen C1858172, MONDO:0011480, OMIM 604717.

Allele frequency attached by ClinVar (database versions not stated): gnomAD 0.00001 and 0.00003; TOPMed 0.00006; ExAC 0.00008; gnomAD exomes 0.00008; 1000 Genomes Project 30x 0.00047; 1000 Genomes Project 0.00060.
gnomAD v4.1: 34 of 1,613,540 alleles (0.0021%); highest among the groups gnomAD compares: East Asian, 0.025%; no homozygotes.

Submissions (4):

Blueprint Genetics
Classification: Likely benign. Last evaluated: 2024-05-08. Review status: criteria provided, single submitter. Criteria: ACMG Guidelines, 2015. Collection method: clinical testing. Allele origin: germline.

Labcorp Genetics (formerly Invitae), Labcorp
Classification: Likely benign for Baraitser-winter syndrome 2; Autosomal dominant nonsyndromic hearing loss 20. Last evaluated: 2024-04-13. Review status: criteria provided, single submitter. Criteria: Invitae Variant Classification Sherloc (09022015). Collection method: clinical testing. Allele origin: germline.

GeneDx
Classification: Likely benign. Last evaluated: 2020-02-12. Review status: criteria provided, single submitter. Criteria: GeneDx Variant Classification Process June 2021. Collection method: clinical testing. Allele origin: germline. Affected: yes.

Laboratory for Molecular Medicine, Mass General Brigham Personalized Medicine
Classification: Likely benign. Last evaluated: 2015-07-26. Review status: criteria provided, single submitter. Criteria: LMM Criteria. Collection method: clinical testing. Allele origin: germline. Observed: 1 variant allele.
Comment: p.Pro130Pro in exon 4 of ACTG1: This variant is not expected to have clinical si gnificance because it does not alter an amino acid residue and is not located wi thin the splice consensus sequence. It has been identified in 6/8630 East Asian chromosomes by the Exome Aggregation Consortium (ExAC; dbSNP rs561518636).

NM_001614.5(ACTG1):c.390G>A (p.Pro130=)

Gene: ACTG1 (actin gamma 1; minus strand). Cytogenetic location: 17q25.3.
Variant type: single nucleotide variant.
Coding change: c.390G>A on transcript NM_001614.5 (MANE Select); coding-DNA position 390, G replaced by A.
Protein change: p.Pro130=; no amino-acid change (proline 130 retained).
Molecular consequence: synonymous variant. On other transcripts: non-coding transcript variant (1).
Genome position (GRCh38, 1-based): chr17:81,511,600, C>T on the plus strand (G>A on the coding strand, the complement: ACTG1 is on the minus strand). VCF-style: chr17-81511600-C-T. GRCh37 (hg19) VCF-style: chr17-79478626-C-T.
Other names: c.390G>A, p.Pro130= (NM_001199954.3).
Identifiers: ClinVar variation 227167 (VCV000227167.10), dbSNP rs561518636, ClinGen allele CA8836087.
Genomic context (GRCh38, chr17:81,511,600, plus strand): 5'-GCCAGTGGTGCGCCCAGAGGCGTAGAGGGACAGCACGGCCTGGATGGCCACGTACATGGC[C>T]GGGGTGTTGAAGGTCTCAAACATAATCTGAGAAGGGACAAGGGGCGGCTTAGTCAGGGAC-3'
Protein context (NP_001605.1, residues 120-140): TQIMFETFNT[Pro130=]AMYVAIQAVL